The following is an entry in ClinVar:

ClinVar aggregate classification (germline): Conflicting classifications of pathogenicity. Review status: criteria provided, conflicting classifications (1 of 4 stars). 5 submissions from 5 submitters: Likely pathogenic (1); Uncertain significance (4). Last evaluated 2026-08-24.

Conditions:
Progressive external ophthalmoplegia with mitochondrial DNA deletions, autosomal dominant 4. Also called: PROGRESSIVE EXTERNAL OPHTHALMOPLEGIA, AUTOSOMAL DOMINANT 4. Identifiers: MedGen C1864668, MONDO:0012415, OMIM 610131.
Mitochondrial dna depletion syndrome 16B (neuroophthalmic type). Identifiers: MedGen C5543632, MONDO:0030326, OMIM 619425.
Mitochondrial DNA depletion syndrome 16 (hepatic type). Identifiers: MedGen C5193142, MONDO:0032799, OMIM 618528.

Allele frequency attached by ClinVar (database versions not stated): ExAC 0.00008; gnomAD exomes 0.00008 and 0.00013; TOPMed 0.00008; gnomAD 0.00010 and 0.00011; ESP Exome Variant Server 0.00015; 1000 Genomes Project 30x 0.00016; 1000 Genomes Project 0.00020.
gnomAD v4.1: 202 of 1,611,754 alleles (0.013%); highest among the groups gnomAD compares: Non-Finnish European, 0.016%; no homozygotes.

Submissions (5):

GeneDx
Classification: Uncertain significance. Last evaluated: 2026-08-24. Review status: criteria provided, single submitter. Criteria: GeneDx Variant Classification Process June 2021. Collection method: clinical testing. Allele origin: germline.
Comment: Identified heterozygous in a patient in the published literature with adult-onset chronic progressive external ophthalmoplegia (CPEO) (PMID: 38703036); In silico analysis suggests that this missense variant does not alter protein structure/function; This variant is associated with the following publications: (PMID: 38703036)

CeGaT Center for Human Genetics Tuebingen
Classification: Uncertain significance. Last evaluated: 2026-03-01. Review status: criteria provided, single submitter. Criteria: CeGaT Center For Human Genetics Tuebingen Variant Classification Criteria Version 2. Collection method: clinical testing. Allele origin: germline. Affected: yes. Observed: 3 variant alleles.

Labcorp Genetics (formerly Invitae), Labcorp
Classification: Uncertain significance. Last evaluated: 2025-11-13. Review status: criteria provided, single submitter. Criteria: Invitae Variant Classification Sherloc (09022015). Collection method: clinical testing. Allele origin: germline.
Comment: This sequence change replaces threonine, which is neutral and polar, with alanine, which is neutral and non-polar, at codon 235 of the POLG2 protein (p.Thr235Ala). This variant is present in population databases (rs148941150, gnomAD 0.03%). This missense change has been observed in individual(s) with POLG2-related conditions (PMID: 38703036). ClinVar contains an entry for this variant (Variation ID: 215028). An algorithm developed to predict the effect of missense changes on protein structure and function (PolyPhen-2) suggests that this variant is likely to be disruptive. In summary, the available evidence is currently insufficient to determine the role of this variant in disease. Therefore, it has been classified as a Variant of Uncertain Significance.

Service de Génétique Médicale, Centre Hospitalier Universitaire de Nice-Université Côte d'Azur
Classification: Likely pathogenic for Progressive external ophthalmoplegia with mitochondrial DNA deletions, autosomal dominant 4. Last evaluated: 2024-02-27. Review status: criteria provided, single submitter. Criteria: ACMG Guidelines, 2015. Collection method: clinical testing. Allele origin: germline. Affected: yes.

Department of Pathology and Laboratory Medicine, Sinai Health System
Classification: Uncertain significance for Progressive external ophthalmoplegia with mitochondrial DNA deletions, autosomal dominant 4; Mitochondrial DNA depletion syndrome 16 (hepatic type); Mitochondrial dna depletion syndrome 16B (neuroophthalmic type). Last evaluated: 2022-05-24. Review status: criteria provided, single submitter. Criteria: ACMG Guidelines, 2015. Collection method: research. Allele origin: germline.

Literature cited by the submitters: PubMed 38703036 (cited by Labcorp Genetics (formerly Invitae), Labcorp and Service de Génétique Médicale, Centre Hospitalier Universitaire de Nice-Université Côte d'Azur).

NM_007215.4(POLG2):c.703A>G (p.Thr235Ala)

Genes: MILR1 (mast cell immunoglobulin like receptor 1; plus strand), POLG2 (DNA polymerase gamma 2, accessory subunit; minus strand). Cytogenetic location: 17q23.3.
Variant type: single nucleotide variant.
Coding change: c.703A>G on transcript NM_007215.4 (MANE Select); coding-DNA position 703, A replaced by G.
Protein change: p.Thr235Ala; replaces threonine 235 with alanine.
Molecular consequence: missense variant.
Genome position (GRCh38, 1-based): chr17:64,492,759, T>C on the plus strand (A>G on the coding strand, the complement: POLG2 is on the minus strand). VCF-style: chr17-64492759-T-C. GRCh37 (hg19) VCF-style: chr17-62488876-T-C.
Other names: p.T235A:ACT>GCT; short protein forms T235A.
Identifiers: ClinVar variation 215028 (VCV000215028.45), dbSNP rs148941150, ClinGen allele CA322282.